The following is an entry in ClinVar:

ClinVar aggregate classification (germline): Uncertain significance (1 of 4 stars; one submission).

Conditions:
Hereditary spastic paraplegia 11. Also called: Spastic Paraplegia 11; SPASTIC PARAPLEGIA, AUTOSOMAL RECESSIVE, COMPLICATED, WITH THIN CORPUS CALLOSUM; SPASTIC PARAPLEGIA, AUTOSOMAL RECESSIVE, WITH MENTAL IMPAIRMENT AND THIN CORPUS CALLOSUM; Spastic paraplegia, mental retardation and thin corpus callosum; Nakamura Osame syndrome; Autosomal recessive hereditary spastic paraplegia, mental impairment, and thin corpus callosum. Identifiers: Orphanet 2822, MedGen C1858479, MONDO:0011445, OMIM 604360.

Allele frequency attached by ClinVar (database versions not stated): gnomAD exomes 0.00001; ExAC 0.00003; gnomAD 0.00005; TOPMed 0.00007.

Submission:

Labcorp Genetics (formerly Invitae), Labcorp
Classification: Uncertain significance for Hereditary spastic paraplegia 11. Last evaluated: 2022-05-09. Review status: criteria provided, single submitter. Criteria: Invitae Variant Classification Sherloc (09022015). Collection method: clinical testing. Allele origin: germline.
Comment: This sequence change falls in intron 36 of the SPG11 gene. It does not directly change the encoded amino acid sequence of the SPG11 protein. This variant is present in population databases (rs765829074, gnomAD 0.02%). This variant has not been reported in the literature in individuals affected with SPG11-related conditions. Algorithms developed to predict the effect of sequence changes on RNA splicing suggest that this variant may create or strengthen a splice site. In summary, the available evidence is currently insufficient to determine the role of this variant in disease. Therefore, it has been classified as a Variant of Uncertain Significance.

NM_025137.4(SPG11):c.6755-16_6755-14del

Gene: SPG11 (SPG11 vesicle trafficking associated, spatacsin; minus strand). Cytogenetic location: 15q21.1.
Variant type: Deletion.
Coding change: c.6755-16_6755-14del on transcript NM_025137.4 (MANE Select); 16 bases into the intron before coding-DNA position 6755 through 14 bases into the intron before coding-DNA position 6755, 3 bases deleted (TTT; older notation c.6755-16_6755-14delTTT).
Molecular consequence: intron variant.
Genome position (GRCh38, 1-based): chr15:44,566,319-44,566,321, AAA deleted on the plus strand (TTT on the coding strand, the reverse complement: SPG11 is on the minus strand). VCF-style (leftmost placement, unchanged base first): chr15-44566318-TAAA-T. GRCh37 (hg19) VCF-style: chr15-44858516-TAAA-T.
Other names: c.6416-16_6416-14del (NM_001160227.2).
Identifiers: ClinVar variation 2067672 (VCV002067672.1), dbSNP rs765829074, ClinGen allele CA7534012.
Genomic context (GRCh38, chr15:44,566,318, plus strand): 5'-CCTTCAGCAGCAGTTGTTTCAGCTGGTGCCCATCCTTGAGGCTGTCCTCTGTAGGGGAAA[TAAA>T]GAAGATTTGCCGAGTCTGACTCCCAAAGCTCACTGTTCTCATCCCACTCATTGTGATCGT-3'